The following is an entry in ClinVar:

ClinVar aggregate classification (germline): Uncertain significance (1 of 4 stars; one submission).

Submission:

Labcorp Genetics (formerly Invitae), Labcorp
Classification: Uncertain significance. Last evaluated: 2024-10-06. Review status: criteria provided, single submitter. Criteria: Invitae Variant Classification Sherloc (09022015). Collection method: clinical testing. Allele origin: germline.
Comment: This sequence change replaces leucine, which is neutral and non-polar, with valine, which is neutral and non-polar, at codon 994 of the MSH3 protein (p.Leu994Val). This variant is not present in population databases (gnomAD no frequency). This variant has not been reported in the literature in individuals affected with MSH3-related conditions. An algorithm developed to predict the effect of missense changes on protein structure and function (PolyPhen-2) suggests that this variant is likely to be disruptive. In summary, the available evidence is currently insufficient to determine the role of this variant in disease. Therefore, it has been classified as a Variant of Uncertain Significance.

NM_002439.5(MSH3):c.2980C>G (p.Leu994Val)

Gene: MSH3 (mutS homolog 3; plus strand). Cytogenetic location: 5q14.1.
Variant type: single nucleotide variant.
Coding change: c.2980C>G on transcript NM_002439.5 (MANE Select); coding-DNA position 2980, C replaced by G.
Protein change: p.Leu994Val; replaces leucine 994 with valine.
Molecular consequence: missense variant.
Genome position (GRCh38, 1-based): chr5:80,854,296, C>G. VCF-style: chr5-80854296-C-G. GRCh37 (hg19) VCF-style: chr5-80150115-C-G.
Other names: short protein forms L994V.
Identifiers: ClinVar variation 3692696 (VCV003692696.2).